The following is an entry in ClinVar:

NM_018127.7(ELAC2):c.983+6G>C

Gene: ELAC2 (elaC ribonuclease Z 2; minus strand). Cytogenetic location: 17p12.
Variant type: single nucleotide variant.
Coding change: c.983+6G>C on transcript NM_018127.7 (MANE Select); 6 bases into the intron after coding-DNA position 983, G replaced by C.
Molecular consequence: intron variant.
Genome position (GRCh38, 1-based): chr17:13,004,983, C>G on the plus strand (G>C on the coding strand, the complement: ELAC2 is on the minus strand). VCF-style: chr17-13004983-C-G. GRCh37 (hg19) VCF-style: chr17-12908300-C-G.
Other names: c.863+6G>C (NM_001165962.2); c.983+6G>C (NM_173717.2).
Identifiers: ClinVar variation 971881 (VCV000971881.4), dbSNP rs1288953158, ClinGen allele CA624930281.

ClinVar aggregate classification (germline): Uncertain significance (1 of 4 stars; one submission).

Conditions:
Combined oxidative phosphorylation defect type 17. Also called: Combined oxidative phosphorylation deficiency 17. Identifiers: Orphanet 369913, MedGen C3809526, MONDO:0014190, OMIM 615440.

Allele frequency attached by ClinVar (database versions not stated): gnomAD exomes below 0.00001 and 0.00001; gnomAD 0.00001; TOPMed 0.00001.
gnomAD v4.1: 19 of 1,607,930 alleles (0.0012%); highest among the groups gnomAD compares: Non-Finnish European, 0.0016%; no homozygotes.

Submission:

Labcorp Genetics (formerly Invitae), Labcorp
Classification: Uncertain significance for Combined oxidative phosphorylation defect type 17. Last evaluated: 2021-08-28. Review status: criteria provided, single submitter. Criteria: Invitae Variant Classification Sherloc (09022015). Collection method: clinical testing. Allele origin: germline.
Comment: This sequence change falls in intron 11 of the ELAC2 gene. It does not directly change the encoded amino acid sequence of the ELAC2 protein. It affects a nucleotide within the consensus splice site of the intron. This variant is not present in population databases (ExAC no frequency). This variant has not been reported in the literature in individuals affected with ELAC2-related conditions. Variants that disrupt the consensus splice site are a relatively common cause of aberrant splicing (PMID: 17576681, 9536098). Algorithms developed to predict the effect of sequence changes on RNA splicing suggest that this variant may disrupt the consensus splice site. In summary, the available evidence is currently insufficient to determine the role of this variant in disease. Therefore, it has been classified as a Variant of Uncertain Significance.

Literature cited by the submitters: PubMed 17576681; PubMed 9536098.